The following is an entry in ClinVar:

ClinVar aggregate classification (germline): Likely benign. Review status: criteria provided, single submitter (1 of 4 stars). 2 submissions from 2 submitters: Likely benign (1). 1 of the submissions does not count toward it. Last evaluated 2020-06-17.

Conditions:
PKD1-related disorder. Also called: PKD1-related condition.

Allele frequency attached by ClinVar (database versions not stated): 1000 Genomes Project 30x 0.00094; 1000 Genomes Project 0.00100; gnomAD 0.00132; ExAC 0.00237.
gnomAD v4.1: 248 of 1,268,176 alleles (0.02%); highest among the groups gnomAD compares: African/African-American, 0.33%; no homozygotes.

Submissions (2):

Athena Diagnostics
Classification: Likely benign. Last evaluated: 2020-06-17. Review status: criteria provided, single submitter. Criteria: Athena Diagnostics Criteria. Collection method: clinical testing. Allele origin: unknown.

PreventionGenetics, part of Exact Sciences
Classification: Likely benign for PKD1-related condition. Last evaluated: 2020-12-08. Review status: no assertion criteria provided. Collection method: clinical testing. Allele origin: germline. Not counted in ClinVar's aggregate classification.
Comment: This variant is classified as likely benign based on ACMG/AMP sequence variant interpretation guidelines (Richards et al. 2015 PMID: 25741868, with internal and published modifications).

NM_001009944.3(PKD1):c.1123C>A (p.Leu375Ile)

Gene: PKD1 (polycystin 1, transient receptor potential channel interacting; minus strand). Cytogenetic location: 16p13.3.
Variant type: single nucleotide variant.
Coding change: c.1123C>A on transcript NM_001009944.3 (MANE Select); coding-DNA position 1123, C replaced by A.
Protein change: p.Leu375Ile; replaces leucine 375 with isoleucine.
Molecular consequence: missense variant.
Genome position (GRCh38, 1-based): chr16:2,117,869, G>T on the plus strand (C>A on the coding strand, the complement: PKD1 is on the minus strand). VCF-style: chr16-2117869-G-T. GRCh37 (hg19) VCF-style: chr16-2167870-G-T.
Other names: c.1123C>A, p.Leu375Ile (NM_000296.4); c.1123C>A (NM_001009944.2); short protein forms L375I.
Identifiers: ClinVar variation 586245 (VCV000586245.4), dbSNP rs546468897, ClinGen allele CA7833593.